The following is an entry in ClinVar:

ClinVar aggregate classification (germline): Uncertain significance. Review status: criteria provided, multiple submitters, no conflicts (2 of 4 stars). 2 submissions from 2 submitters: Uncertain significance (2). Last evaluated 2023-08-29.

Conditions:
Inborn genetic diseases. Identifiers: MedGen C0950123, MeSH D030342.

Submissions (2):

Labcorp Genetics (formerly Invitae), Labcorp
Classification: Uncertain significance. Last evaluated: 2023-08-29. Review status: criteria provided, single submitter. Criteria: Invitae Variant Classification Sherloc (09022015). Collection method: clinical testing. Allele origin: germline.
Comment: In summary, the available evidence is currently insufficient to determine the role of this variant in disease. Therefore, it has been classified as a Variant of Uncertain Significance. This sequence change replaces proline, which is neutral and non-polar, with leucine, which is neutral and non-polar, at codon 1467 of the ABCC8 protein (p.Pro1467Leu). This variant is not present in population databases (gnomAD no frequency). This variant has not been reported in the literature in individuals affected with ABCC8-related conditions. ClinVar contains an entry for this variant (Variation ID: 2533440). Advanced modeling of protein sequence and biophysical properties (such as structural, functional, and spatial information, amino acid conservation, physicochemical variation, residue mobility, and thermodynamic stability) performed at Invitae indicates that this missense variant is expected to disrupt ABCC8 protein function.

Ambry Genetics
Classification: Uncertain significance for Inborn genetic diseases. Last evaluated: 2023-04-05. Review status: criteria provided, single submitter. Criteria: Ambry Variant Classification Scheme 2023. Collection method: clinical testing. Allele origin: germline.

NM_000352.6(ABCC8):c.4400C>T (p.Pro1467Leu)

Gene: ABCC8 (ATP binding cassette subfamily C member 8; minus strand). Cytogenetic location: 11p15.1.
Variant type: single nucleotide variant.
Coding change: c.4400C>T on transcript NM_000352.6 (MANE Select); coding-DNA position 4400, C replaced by T.
Protein change: p.Pro1467Leu; replaces proline 1467 with leucine.
Molecular consequence: missense variant. On other transcripts: non-coding transcript variant (1).
Genome position (GRCh38, 1-based): chr11:17,395,183, G>A on the plus strand (C>T on the coding strand, the complement: ABCC8 is on the minus strand). VCF-style: chr11-17395183-G-A. GRCh37 (hg19) VCF-style: chr11-17416730-G-A.
Other names: c.4397C>T, p.Pro1466Leu (NM_001351297.2); c.4403C>T, p.Pro1468Leu (NM_001287174.3); c.4466C>T, p.Pro1489Leu (NM_001351295.2); c.4400C>T, p.Pro1467Leu (NM_001351296.2); short protein forms P1466L, P1467L, P1468L, P1489L.
Identifiers: ClinVar variation 2533440 (VCV002533440.5), dbSNP rs2496445156, ClinGen allele CA379785105.
Genomic context (GRCh38, chr11:17,395,183, plus strand): 5'-GGGTCCTTGAGTGCCCAACCAACCCAGCTGCATAGCCAGGAGTAGTTACCGAGGCCTCCT[G>A]GCAGTGCCTTCACCACCAGCTTCAGCTGGGCGATTTCCAGGGCCTCCCACAGTGTGCTAT-3'
Protein context (NP_000343.2, residues 1457-1477): AQLKLVVKAL[Pro1467Leu]GGLDAIITEG